The following is an entry in ClinVar:

NM_001378414.1(HDAC4):c.1756C>T (p.Arg586Cys)

Gene: HDAC4 (histone deacetylase 4; minus strand). Cytogenetic location: 2q37.3.
Variant type: single nucleotide variant.
Coding change: c.1756C>T on transcript NM_001378414.1 (MANE Select); coding-DNA position 1756, C replaced by T.
Protein change: p.Arg586Cys; replaces arginine 586 with cysteine.
Molecular consequence: missense variant.
Genome position (GRCh38, 1-based): chr2:239,115,088, G>A on the plus strand (C>T on the coding strand, the complement: HDAC4 is on the minus strand). VCF-style: chr2-239115088-G-A. GRCh37 (hg19) VCF-style: chr2-240036784-G-A.
Other names: c.1756C>T, p.Arg586Cys (NM_001378415.1); c.1741C>T, p.Arg581Cys (NM_001378416.1, NM_001378417.1, NM_006037.4); short protein forms R586C, R581C.
Identifiers: ClinVar variation 3524421 (VCV003524421.2).
Genomic context (GRCh38, chr2:239,115,088, plus strand): 5'-TGGTGCCCTCCCCGCCTGCGGTCACCTGTCTGAAGAGCAGCTCCTGCTCACTGGGCTGGC[G>A]CTGGCCCGGCTCCACCTCCCGTGGGGGCTCTGCCTCTTCCTCATCGCTCTCAATGGGCTC-3'
Protein context (NP_001365343.1, residues 576-596): EPPREVEPGQ[Arg586Cys]QPSEQELLFR

ClinVar aggregate classification (germline): Uncertain significance. Review status: criteria provided, multiple submitters, no conflicts (2 of 4 stars). 2 submissions from 2 submitters: Uncertain significance (2). Last evaluated 2025-10-11.

Conditions:
Inborn genetic diseases. Identifiers: MedGen C0950123, MeSH D030342.

gnomAD v4.1: 10 of 1,611,274 alleles (0.00062%); highest among the groups gnomAD compares: Admixed American, 0.0033%; no homozygotes.

Submissions (2):

Labcorp Genetics (formerly Invitae), Labcorp
Classification: Uncertain significance. Last evaluated: 2025-10-11. Review status: criteria provided, single submitter. Criteria: Invitae Variant Classification Sherloc (09022015). Collection method: clinical testing. Allele origin: germline.
Comment: This sequence change replaces arginine, which is basic and polar, with cysteine, which is neutral and slightly polar, at codon 581 of the HDAC4 protein (p.Arg581Cys). The frequency data for this variant in the population databases is considered unreliable, as metrics indicate poor data quality at this position in the gnomAD database. This variant has not been reported in the literature in individuals affected with HDAC4-related conditions. ClinVar contains an entry for this variant (Variation ID: 3524421). Invitae Evidence Modeling of protein sequence and biophysical properties (such as structural, functional, and spatial information, amino acid conservation, physicochemical variation, residue mobility, and thermodynamic stability) indicates that this missense variant is not expected to disrupt HDAC4 protein function with a negative predictive value of 80%. In summary, the available evidence is currently insufficient to determine the role of this variant in disease. Therefore, it has been classified as a Variant of Uncertain Significance.

Ambry Genetics
Classification: Uncertain significance for Inborn genetic diseases. Last evaluated: 2024-07-30. Review status: criteria provided, single submitter. Criteria: Ambry Variant Classification Scheme 2023. Collection method: clinical testing. Allele origin: germline.